The following is an entry in ClinVar:

ClinVar aggregate classification (germline): Uncertain significance. Review status: criteria provided, multiple submitters, no conflicts (2 of 4 stars). 2 submissions from 2 submitters: Uncertain significance (2). Last evaluated 2026-08-24.

Conditions:
VPS13B-related disorder. Also called: VPS13B-related condition.
Cohen syndrome (COH1). Also called: Cutis verticis gyrata, retinitis pigmentosa, and sensorineural deafness; PEPPER SYNDROME. Identifiers: Orphanet 193, MedGen C0265223, MONDO:0008999, OMIM 216550.

Allele frequency attached by ClinVar (database versions not stated): gnomAD 0.00002; gnomAD exomes 0.00003; ExAC 0.00007; 1000 Genomes Project 30x 0.00016; 1000 Genomes Project 0.00020.
gnomAD v4.1: 46 of 1,606,290 alleles (0.0029%); highest among the groups gnomAD compares: South Asian, 0.051%; no homozygotes.

Submissions (2):

PreventionGenetics, part of Exact Sciences
Classification: Uncertain significance for VPS13B-related condition. Last evaluated: 2026-08-24. Review status: criteria provided, single submitter. Criteria: ACMG Guidelines, 2015. Collection method: clinical testing. Allele origin: germline.
Comment: The VPS13B c.5221A>T variant is predicted to result in the amino acid substitution p.Ile1741Phe. To our knowledge, this variant has not been reported in the literature. This variant is reported in 0.069% of alleles in individuals of South Asian descent in gnomAD. Although we suspect that this variant may be benign, at this time, the clinical significance of this variant is uncertain due to the absence of conclusive functional and genetic evidence.

Labcorp Genetics (formerly Invitae), Labcorp
Classification: Uncertain significance for Cohen syndrome. Last evaluated: 2024-04-25. Review status: criteria provided, single submitter. Criteria: Invitae Variant Classification Sherloc (09022015). Collection method: clinical testing. Allele origin: germline.
Comment: This sequence change replaces isoleucine, which is neutral and non-polar, with phenylalanine, which is neutral and non-polar, at codon 1766 of the VPS13B protein (p.Ile1766Phe). This variant is present in population databases (rs571859887, gnomAD 0.07%). This variant has not been reported in the literature in individuals affected with VPS13B-related conditions. ClinVar contains an entry for this variant (Variation ID: 2069621). An algorithm developed to predict the effect of missense changes on protein structure and function (PolyPhen-2) suggests that this variant¬†is likely to be tolerated. In summary, the available evidence is currently insufficient to determine the role of this variant in disease. Therefore, it has been classified as a Variant of Uncertain Significance.

NM_152564.5(VPS13B):c.5221A>T (p.Ile1741Phe)

Gene: VPS13B (vacuolar protein sorting 13 homolog B; plus strand). Cytogenetic location: 8q22.2.
Variant type: single nucleotide variant.
Coding change: c.5221A>T on transcript NM_152564.5 (MANE Select); coding-DNA position 5221, A replaced by T.
Protein change: p.Ile1741Phe; replaces isoleucine 1741 with phenylalanine.
Molecular consequence: missense variant.
Genome position (GRCh38, 1-based): chr8:99,641,811, A>T. VCF-style: chr8-99641811-A-T. GRCh37 (hg19) VCF-style: chr8-100654039-A-T.
Other names: c.5296A>T, p.Ile1766Phe (NM_017890.5); short protein forms I1741F, I1766F.
Identifiers: ClinVar variation 2069621 (VCV002069621.3), dbSNP rs571859887, ClinGen allele CA4823787.